The following is an entry in ClinVar:

ClinVar aggregate classification (germline): Pathogenic. Review status: criteria provided, multiple submitters, no conflicts (2 of 4 stars). 7 submissions from 7 submitters: Pathogenic (6). 1 of the submissions does not count toward it. Last evaluated 2025-11-03.

Conditions:
SLCO1B1-related disorder. Also called: SLCO1B1-related condition.
Rotor syndrome (HBLRR). Also called: HYPERBILIRUBINEMIA, ROTOR TYPE, DIGENIC; HYPERBILIRUBINEMIA, ROTOR TYPE. Identifiers: Orphanet 3111, MedGen C0220991, MONDO:0009379, OMIM 237450.

Allele frequency attached by ClinVar (database versions not stated): TOPMed 0.00011; 1000 Genomes Project 30x 0.00047; gnomAD 0.00006 and 0.00007; 1000 Genomes Project 0.00040; gnomAD exomes 0.00006 and 0.00003; ExAC 0.00006.

Submissions (7):

PreventionGenetics, part of Exact Sciences
Classification: Pathogenic for SLCO1B1-related condition. Last evaluated: 2025-11-03. Review status: criteria provided, single submitter. Criteria: ACMG Guidelines, 2015. Collection method: clinical testing. Allele origin: germline.
Comment: The SLCO1B1 c.757C>T variant is predicted to result in premature protein termination (p.Arg253*). This variant, referred to as the "R3" haplotype when in cis to SLCO1B3 c.1747+1G>A, has been reported in the compound heterozygous and homozygous states in multiple individuals with Rotor syndrome (see for examples, van de Steeg et al. 2012. PubMed ID: 22232210; Zhou et al. 2020. PubMed ID: 32082363; Cheng et al. 2023. PubMed ID: 36964102). This variant is reported in 0.060% of alleles in individuals of East Asian descent in gnomAD. Nonsense variants in SLCO1B1 are expected to be pathogenic. Taken together, this variant is interpreted as pathogenic.

3billion
Classification: Pathogenic for Rotor syndrome. Last evaluated: 2025-08-28. Review status: criteria provided, single submitter. Criteria: ACMG Guidelines, 2015. Collection method: clinical testing. Allele origin: germline. Affected: yes.
Comment: The variant is observed at an extremely low frequency in the gnomAD v4.1.0 dataset (total allele frequency: 0.005%). Predicted Consequence/Location: Stop-gained (nonsense): predicted to result in a loss or disruption of normal protein function through nonsense-mediated decay (NMD) or protein truncation. Multiple pathogenic variants are reported downstream of the variant. The variant has been reported at least twice as pathogenic with clinical assertions and evidence for the classification (ClinVar ID: VCV000030439 /PMID: 22232210 /3billion dataset). Therefore, this variant is classified as Pathogenic according to the recommendation of ACMG/AMP guideline.

ARUP Laboratories, Molecular Genetics and Genomics, ARUP Laboratories
Classification: Pathogenic for Rotor syndrome. Last evaluated: 2025-01-10. Review status: criteria provided, single submitter. Criteria: ARUP Molecular Germline Variant Investigation Process 2024. Collection method: clinical testing. Allele origin: germline.
Comment: The SLCO1B1 c.757C>T; p.Arg253Ter variant (rs183501729, ClinVar Variation ID; 30439), has been reported in both homozygous and compound heterozygous state, along with concurrent biallelic loss-of-function variants in SLCO1B3, in individuals with Rotor Syndrome (Cheng 2023, Hahn 2024, Tan 2024, van de Steeg 2012, Zhou 2019). This variant is found predominantly in the East Asian population with an allele frequency of 0.06% (11/18,394 alleles) in the Genome Aggregation Database (v2.1.1). This variant induces an early termination codon and is predicted to result in a truncated protein or mRNA subject to nonsense-mediated decay. Based on available information, this variant is considered to be pathogenic. References: Cheng YY et al. SLCO1B1 and SLCO1B3 genetic mutations in Taiwanese patients with Rotor syndrome. Journal of the Formosan Medical Association. 2023 Jul. PMID: 36964102. Hahn JW et al. Diagnostic algorithm for neonatal intrahepatic cholestasis integrating single-gene testing and next-generation sequencing in East Asia. J Gastroenterol Hepatol. 2024 May. PMID: 38323732. Tan Y et al. [Clinical characteristics and genetic analysis of four children with Rotor syndrome]. Zhonghua Yi Xue Yi Chuan Xue Za Zhi. 2024 Jun 10. PMID: 38818556. van de Steeg E et al. Complete OATP1B1 and OATP1B3 deficiency causes human Rotor syndrome by interrupting conjugated bilirubin reuptake into the liver. J Clin Invest. 2012 Feb. PMID: 22232210. Zhou D et al. Insertion of LINE-1 Retrotransposon Inducing Exon Inversion Causes a Rotor Syndrome Phenotype. Front Genet. 2019 PMID: 32082363.

Blueprint Genetics
Classification: Pathogenic for SLCO1B1-related disorders. Last evaluated: 2024-11-21. Review status: criteria provided, single submitter. Criteria: ACMG Guidelines, 2015. Collection method: clinical testing. Allele origin: germline. Affected: yes. Observed: 5 variant alleles.

Women's Health and Genetics/Laboratory Corporation of America, LabCorp
Classification: Pathogenic for Rotor syndrome. Last evaluated: 2022-12-09. Review status: criteria provided, single submitter. Criteria: LabCorp Variant Classification Summary - May 2015. Collection method: clinical testing. Allele origin: germline.
Comment: Variant summary: SLCO1B1 c.757C>T (p.Arg253X) results in a premature termination codon, predicted to cause a truncation of the encoded protein or absence of the protein due to nonsense mediated decay, which are commonly known mechanisms for disease. The variant allele was found at a frequency of 6e-05 in 251156 control chromosomes (gnomAD). This frequency does not allow conclusions about the variant significance. SLCO1B1 c.757C>T (p.Arg253X) (along with SLCO1B3, c.1747+1G>A) has been reported in the literature in individuals affected with Rotor Syndrome which supports the digenic recessive inheritance of the disease (examples: van de Steeg_2012, Chen_2019, and Zhou_2020). It has been shown that digenic pathogenic variants in SLCO1B1 and SLCO1B3 cause Rotor syndrome (GeneReviews, NCBI Bookshelf). These data indicate that the variant may be associated with disease. To our knowledge, no experimental evidence demonstrating an impact on protein function has been reported. One clinical diagnostic laboratory has submitted clinical-significance assessments for this variant to ClinVar after 2014 and classified the variant as pathogenic. Based on the evidence outlined above, the variant was classified as pathogenic.

Juno Genomics, Hangzhou Juno Genomics, Inc
Classification: Pathogenic for Rotor syndrome. Review status: criteria provided, single submitter. Criteria: ACMG Guidelines, 2015. Collection method: clinical testing. Allele origin: germline.
Comment: Absent from controls (or at extremely low frequency if recessive) in Genome Aggregation Database.;Null variant in a gene where loss of function (LOF) is a known mechanism of disease.;For recessive disorders, detected in trans with a pathogenic variant.

OMIM
Classification: Pathogenic for HYPERBILIRUBINEMIA, ROTOR TYPE, DIGENIC. Last evaluated: 2012-02-01. Review status: no assertion criteria provided. Collection method: literature only. Allele origin: germline. Not counted in ClinVar's aggregate classification.

Literature cited by the submitters: PubMed 22232210 (cited by 3 submitters); PubMed 30366773 (cited by Women's Health and Genetics/Laboratory Corporation of America, LabCorp); PubMed 32082363 (cited by Women's Health and Genetics/Laboratory Corporation of America, LabCorp).

NM_006446.5(SLCO1B1):c.757C>T (p.Arg253Ter)

Gene: SLCO1B1 (solute carrier organic anion transporter family member 1B1; plus strand). Cytogenetic location: 12p12.1.
Variant type: single nucleotide variant.
Coding change: c.757C>T on transcript NM_006446.5 (MANE Select); coding-DNA position 757, C replaced by T.
Protein change: p.Arg253Ter; replaces arginine 253 with a stop codon.
Molecular consequence: nonsense.
Genome position (GRCh38, 1-based): chr12:21,196,975, C>T. VCF-style: chr12-21196975-C-T. GRCh37 (hg19) VCF-style: chr12-21349909-C-T.
Other names: c.757C>T (LRG_1022t1); short protein forms R253*.
Identifiers: ClinVar variation 30439 (VCV000030439.19), dbSNP rs183501729, ClinGen allele CA259811.